The following is an entry in ClinVar:

ClinVar aggregate classification (germline): Pathogenic/Likely pathogenic. Review status: criteria provided, multiple submitters, no conflicts (2 of 4 stars). 5 submissions from 5 submitters: Pathogenic (2); Likely pathogenic (3). Last evaluated 2024-11-18.

Conditions:
Neurodegeneration with brain iron accumulation (NBIA). Identifiers: Orphanet 385, MedGen C2931845, MONDO:0018307.
Deficiency of ferroxidase (ACEP). Also called: Aceruloplasminemia; Ceruloplasmin deficiency; Familial apoceruloplasmin deficiency; Hereditary ceruloplasmin deficiency; NEURODEGENERATION WITH BRAIN IRON ACCUMULATION 10; Deficiency of ceruloplasmin. Identifiers: Orphanet 48818, MedGen C0878682, MONDO:0011426, OMIM 604290, HP:0025498.

Allele frequency attached by ClinVar (database versions not stated): gnomAD exomes 0.00001 and 0.00002; ExAC 0.00002; gnomAD 0.00002; TOPMed 0.00002.
gnomAD v4.1: 21 of 1,614,010 alleles (0.0013%); highest among the groups gnomAD compares: South Asian, 0.0033%; no homozygotes.

Submissions (5):

Women's Health and Genetics/Laboratory Corporation of America, LabCorp
Classification: Pathogenic for Neurodegeneration with brain iron accumulation. Last evaluated: 2024-11-18. Review status: criteria provided, single submitter. Criteria: LabCorp Variant Classification Summary - May 2015. Collection method: clinical testing. Allele origin: germline.
Comment: Variant summary: CP c.1948G>A (p.Gly650Arg) results in a non-conservative amino acid change located in the fourth cupredoxin domain of the encoded protein sequence. Five of five in-silico tools predict a damaging effect of the variant on protein function. The variant allele was found at a frequency of 1.6e-05 in 251418 control chromosomes (gnomAD). c.1948G>A has been reported in the literature in multiple individuals affected with Aceruloplasminaemia (Hellman_2002, Di Raimondo_2008, Vroegindeweij_2017). These data indicate that the variant is very likely to be associated with disease. Publications report experimental evidence evaluating an impact on protein function, finding that the variant resulted in the synthesis and secretion only of apoceruloplasmin and prevented incorporation of copper (Hellman_2002, Kono_2006). The following publications have been ascertained in the context of this evaluation (PMID: 12351628, 16629161, 18408989, 28012953). ClinVar contains an entry for this variant (Variation ID: 381716). Based on the evidence outlined above, the variant was classified as pathogenic.

Laboratory for Molecular Medicine, Mass General Brigham Personalized Medicine
Classification: Likely pathogenic for Deficiency of ferroxidase. Last evaluated: 2022-11-04. Review status: criteria provided, single submitter. Criteria: ACMG Guidelines, 2015. Collection method: clinical testing. Allele origin: germline. Inheritance: Autosomal recessive inheritance.
Comment: The p.Gly650Arg variant (also reported as p.Gly631Arg) in CP has been reported in the homozygous state in 1 individual with aceruloplasminemia and segregated with disease in 3 affected siblings (Vroegindeweij 2015 PMID: 25661792). It was also identified in 1/15276 (0.007) Latino/Admixed American chromosomes by gnomAD. This variant has also been reported in ClinVar (Variation ID 381716). Computational prediction tools and conservation analyses suggest that this variant may impact the protein, though this information is not predictive enough to determine pathogenicity. In vitro studies suggest that the variant impairs normal protien function (Hellman 2002 PMID: 12351628, di Patti 2009 PMID: 19095659), however, these types of assays may not accurately represent biological function. In summary, although additional studies are required to fully establish its clinical significance, this variant meets criteria to be classified as likely pathogenic for autosomal recessive aceruloplasminemia. ACMG/AMP criteria applied: PP1_Strong, PM2_Supporting, PP3, PS3_Supporting.

Labcorp Genetics (formerly Invitae), Labcorp
Classification: Pathogenic for Deficiency of ferroxidase. Last evaluated: 2019-02-26. Review status: criteria provided, single submitter. Criteria: Invitae Variant Classification Sherloc (09022015). Collection method: clinical testing. Allele origin: germline.
Comment: For these reasons, this variant has been classified as Pathogenic. Experimental studies have shown that this missense change prevents the incorporation of copper into the CP protein, abrogating the CP protein enzymatic activity and being unable to rescue CP null cells (PMID: 12351628, 16629161, 19095659). This variant has been observed in homozygosis in several individuals affected with hypoceruloplasminemia and to segregate with the disease in a family (PMID: 28012953). This variant is also known as G631R in the literature. ClinVar contains an entry for this variant (Variation ID: 381716). The frequency data for this variant in the population databases is considered unreliable, as metrics indicate poor data quality at this position in the ExAC database. This sequence change replaces glycine with arginine at codon 650 of the CP protein (p.Gly650Arg). The glycine residue is highly conserved and there is a moderate physicochemical difference between glycine and arginine.

Genetic Services Laboratory, University of Chicago
Classification: Likely pathogenic for Deficiency of ferroxidase. Last evaluated: 2017-03-09. Review status: criteria provided, single submitter. Criteria: ACMG Guidelines, 2015. Collection method: clinical testing. Allele origin: germline. Affected: yes.

GeneDx
Classification: Likely pathogenic. Last evaluated: 2016-09-19. Review status: criteria provided, single submitter. Criteria: GeneDx Variant Classification (06012015). Collection method: clinical testing. Allele origin: germline. Affected: yes.
Comment: The G650R variant in the CP gene has been reported previously in association with aceruloplasminemia, in an affected individual who was homozygous for the G650R variant (Hellman et al., 2002). The G650R variant was not observed in approximately 6,500 individuals of European and African American ancestry in the NHLBI Exome Sequencing Project, indicating it is not a common benign variant in these populations. The G650R variant is a non-conservative amino acid substitution, which is likely to impact secondary protein structure as these residues differ in polarity, charge, size and/or other properties. This substitution occurs at a position that is conserved across species. Functional studies show the G650R variant is secreted as an inactive apoprotein lacking copper (Hellman et al., 2002; di Patti et al., 2009). The G650R variant is a strong candidate for a pathogenic variant, however the possibility it may be a rare benign variant cannot be excluded.

Literature cited by the submitters: PubMed 12351628 (cited by Women's Health and Genetics/Laboratory Corporation of America, LabCorp and Labcorp Genetics (formerly Invitae), Labcorp); PubMed 16629161 (cited by Women's Health and Genetics/Laboratory Corporation of America, LabCorp and Labcorp Genetics (formerly Invitae), Labcorp); PubMed 18408989 (cited by Women's Health and Genetics/Laboratory Corporation of America, LabCorp); PubMed 28012953 (cited by Women's Health and Genetics/Laboratory Corporation of America, LabCorp and Labcorp Genetics (formerly Invitae), Labcorp); PubMed 19095659 (cited by Labcorp Genetics (formerly Invitae), Labcorp).

NM_000096.4(CP):c.1948G>A (p.Gly650Arg)

Gene: CP (ceruloplasmin; minus strand). Cytogenetic location: 3q24.
Variant type: single nucleotide variant.
Coding change: c.1948G>A on transcript NM_000096.4 (MANE Select); coding-DNA position 1948, G replaced by A.
Protein change: p.Gly650Arg; replaces glycine 650 with arginine.
Molecular consequence: missense variant.
Genome position (GRCh38, 1-based): chr3:149,186,649, C>T on the plus strand (G>A on the coding strand, the complement: CP is on the minus strand). VCF-style: chr3-149186649-C-T. GRCh37 (hg19) VCF-style: chr3-148904436-C-T.
Other names: short protein forms G650R.
Identifiers: ClinVar variation 381716 (VCV000381716.22), dbSNP rs776936158, ClinGen allele CA2660874.
Genomic context (GRCh38, chr3:149,186,649, plus strand): 5'-CTCCTCTCCACAGATATGTGTTTCCTGAAAAGTATATTCCATGTACATCGGCCTCATTTC[C>T]GGCGCTGAATAAGTACCACACGACCGAATCTCCTTTGCACATAGTGAGACCCGGCTGATT-3'
Protein context (NP_000087.2, residues 640-660): DSVVWYLFSA[Gly650Arg]NEADVHGIYF